The following is an entry in ClinVar:

ClinVar aggregate classification (germline): Pathogenic (1 of 4 stars; one submission).

Conditions:
Familial cancer of breast. Also called: Hereditary breast cancer; BREAST CANCER, FAMILIAL; hereditary breast carcinoma. Identifiers: Orphanet 227535, MedGen C0346153, MONDO:0016419, OMIM 114480. Disease mechanism: loss of function.

Submission:

Labcorp Genetics (formerly Invitae), Labcorp
Classification: Pathogenic for Familial cancer of breast. Last evaluated: 2024-02-24. Review status: criteria provided, single submitter. Criteria: Invitae Variant Classification Sherloc (09022015). Collection method: clinical testing. Allele origin: germline.
Comment: This sequence change creates a premature translational stop signal (p.Gly1043Valfs*4) in the PALB2 gene. It is expected to result in an absent or disrupted protein product. Loss-of-function variants in PALB2 are known to be pathogenic (PMID: 17200668, 17200671, 17200672, 24136930, 25099575). This variant is not present in population databases (gnomAD no frequency). This variant has not been reported in the literature in individuals affected with PALB2-related conditions. ClinVar contains an entry for this variant (Variation ID: 863876). For these reasons, this variant has been classified as Pathogenic.

Literature cited by the submitters: PubMed 17200668; PubMed 17200671; PubMed 17200672; PubMed 24136930; PubMed 25099575.

NM_024675.4(PALB2):c.3126del (p.Gly1043fs)

Gene: PALB2 (partner and localizer of BRCA2; minus strand). Cytogenetic location: 16p12.2.
Variant type: Deletion.
Coding change: c.3126del on transcript NM_024675.4 (MANE Select); coding-DNA position 3126, one base deleted (T; older notation c.3126delT).
Protein change: p.Gly1043fs; shifts the reading frame from glycine 1043.
Molecular consequence: frameshift variant.
Genome position (GRCh38, 1-based): chr16:23,614,079, A deleted on the plus strand (T on the coding strand, the reverse complement: PALB2 is on the minus strand). VCF-style (leftmost placement, unchanged base first): chr16-23614078-CA-C. GRCh37 (hg19) VCF-style: chr16-23625399-CA-C.
Other names: short protein forms G1043fs.
Identifiers: ClinVar variation 863876 (VCV000863876.8), dbSNP rs1966637056, ClinGen allele CA916081807.